The following continues an entry in ClinVar:

NM_000492.4(CFTR):c.532G>A (p.Gly178Arg)

Gene: CFTR. ClinVar aggregate classification (germline): Pathogenic; drug response. Pathogenic (1).

Submissions 11 to 18 of 18:

Women's Health and Genetics/Laboratory Corporation of America, LabCorp
Classification: Pathogenic for Cystic fibrosis. Last evaluated: 2022-10-24. Review status: criteria provided, single submitter. Criteria: LabCorp Variant Classification Summary - May 2015. Collection method: clinical testing. Allele origin: germline. Not counted in ClinVar's aggregate classification.
Comment: Variant summary: CFTR c.532G>A (p.Gly178Arg) results in a non-conservative amino acid change located in the ABC transporter type 1, transmembrane domain of the encoded protein sequence. Five of five in-silico tools predict a damaging effect of the variant on protein function. One computational tool predict the variant creates a 3' acceptor site. Consistent with this prediction, one functional study showed that this variant led to a significant skipping of exon 5 (Raynal_2013). The variant allele was found at a frequency of 1.2e-05 in 168188 control chromosomes. c.532G>A has been reported in the literature in multiple individuals affected with Cystic Fibrosis (Zielenski_1991, Cremonesi_1992, Heim_2001, Sugarman_2004, Ooi_2012, Sosnay_2013, DeBoeck_2014). These data indicate that the variant is very likely to be associated with disease. Multiple publications report experimental evidence evaluating an impact on protein function (Seibert_1997, Choi_2001, Yu_2012, Sosnay_2013). The most pronounced variant effect results in <10% of normal activity. Eleven clinical diagnostic laboratories have submitted clinical-significance assessments for this variant to ClinVar after 2014 without evidence for independent evaluation. All laboratories classified the variant as pathogenic. Based on the evidence outlined above, the variant was classified as pathogenic.

Mendelics
Classification: Pathogenic for Hereditary pancreatitis. Last evaluated: 2022-05-04. Review status: criteria provided, single submitter. Criteria: Mendelics Assertion Criteria 2019. Collection method: clinical testing. Allele origin: germline. Not counted in ClinVar's aggregate classification.

Revvity Omics, Revvity
Classification: Pathogenic. Last evaluated: 2021-05-13. Review status: criteria provided, single submitter. Criteria: ACMG Guidelines, 2015. Collection method: clinical testing. Allele origin: germline. Not counted in ClinVar's aggregate classification.

Myriad Genetics, Inc.
Classification: Pathogenic for Cystic fibrosis. Last evaluated: 2019-12-04. Review status: criteria provided, single submitter. Criteria: Myriad Women's Health Autosomal Recessive and X-Linked Classification Criteria (2019). Collection method: clinical testing. Allele origin: unknown. Not counted in ClinVar's aggregate classification.
Comment: NM_000492.3(CFTR):c.532G>A(G178R) is classified as pathogenic in the context of cystic fibrosis and is associated with classic disease. Sources cited for classification include the following: PMID 18456578, 9305991, 23381846 and 23974870. Classification of NM_000492.3(CFTR):c.532G>A(G178R) is based on the following criteria: This is a well-established pathogenic variant in the literature that has been observed more frequently in patients with clinical diagnoses than in healthy populations. Please note: this variant was assessed in the context of healthy population screening.

Fulgent Genetics
Classification: Pathogenic for Hereditary pancreatitis; Bronchiectasis with or without elevated sweat chloride 1; Cystic fibrosis; Congenital bilateral aplasia of vas deferens from CFTR mutation. Last evaluated: 2018-10-31. Review status: criteria provided, single submitter. Criteria: ACMG Guidelines, 2015. Collection method: clinical testing. Allele origin: unknown. Not counted in ClinVar's aggregate classification.

CFTR-France
Classification: Pathogenic for cystic fibrosis. Last evaluated: 2018-01-29. Review status: criteria provided, single submitter. Criteria: Claustres M et al. (Hum Mutat 2017). Collection method: curation. Allele origin: germline. Affected: yes. Not counted in ClinVar's aggregate classification.

Baylor Genetics
Classification: Pathogenic for Congenital bilateral aplasia of vas deferens from CFTR mutation; Cystic fibrosis. Review status: criteria provided, single submitter. Criteria: ACMG Guidelines, 2015. Collection method: clinical testing. Allele origin: germline. Not counted in ClinVar's aggregate classification.

PreventionGenetics, part of Exact Sciences
Classification: Pathogenic for CFTR-related condition. Last evaluated: 2024-03-22. Review status: no assertion criteria provided. Collection method: clinical testing. Allele origin: germline. Not counted in ClinVar's aggregate classification.
Comment: The CFTR c.532G>A variant is predicted to result in the amino acid substitution p.Gly178Arg. This variant, also known as c.664G>A in literature, has been reported along with a second pathogenic variant in multiple individuals with Cystic Fibrosis (Zielenski et al. 1991. PubMed ID: 1710599; Ooi et al. 2012. PubMed ID: 22658665; Raraigh et al. 2021. PubMed ID: 34782259; Sosnay PR et al 2013. PubMed ID: 23974870). In vitro functional studies suggest this variant impairs CFTR chloride channel function (Seibert et al. 1997. PubMed ID: 9305991; Choi et al. 2001. PubMed ID: 11242048). This variant is reported in 0.0035% of alleles in individuals of European (non-Finnish) descent in gnomAD. This variant is interpreted as pathogenic.

Literature cited by the submitters: PubMed 22293084 (cited by 3 submitters); PubMed 25266159 (cited by ClinPGx); PubMed 1710599 (cited by 5 submitters); PubMed 15638824 (cited by Labcorp Genetics (formerly Invitae), Labcorp and Quest Diagnostics Nichols Institute San Juan Capistrano); PubMed 23974870 (cited by 5 submitters); PubMed 29133775 (cited by Labcorp Genetics (formerly Invitae), Labcorp and 3billion); PubMed 9305991 (cited by 6 submitters); PubMed 39570414 (cited by Natera, Inc.); PubMed 30029855 (cited by Natera, Inc.); PubMed 34852971 (cited by Natera, Inc.); PubMed 32761997 (cited by Natera, Inc.); PubMed 10923036 (cited by Natera, Inc. and Ambry Genetics); PubMed 18456578 (cited by Quest Diagnostics Nichols Institute San Juan Capistrano and Myriad Genetics, Inc.); PubMed 24440181 (cited by Quest Diagnostics Nichols Institute San Juan Capistrano and Women's Health and Genetics/Laboratory Corporation of America, LabCorp); PubMed 25867140 (cited by Quest Diagnostics Nichols Institute San Juan Capistrano); PubMed 25287046 (cited by Quest Diagnostics Nichols Institute San Juan Capistrano); PubMed 35858753 (cited by Quest Diagnostics Nichols Institute San Juan Capistrano); PubMed 23381846 (cited by 4 submitters); PubMed 15371903 (cited by Women's Health and Genetics/Laboratory Corporation of America, LabCorp); PubMed 1284538 (cited by Women's Health and Genetics/Laboratory Corporation of America, LabCorp); PubMed 11242048 (cited by Women's Health and Genetics/Laboratory Corporation of America, LabCorp); PubMed 11388756 (cited by Women's Health and Genetics/Laboratory Corporation of America, LabCorp); PubMed 22658665 (cited by Women's Health and Genetics/Laboratory Corporation of America, LabCorp).